The following is an entry in ClinVar:

NM_020812.4(DOCK6):c.4619T>G (p.Met1540Arg)

Genes: DOCK6 (dedicator of cytokinesis 6; minus strand), DOCK6-AS1 (DOCK6 antisense RNA 1; plus strand). Cytogenetic location: 19p13.2.
Variant type: single nucleotide variant.
Coding change: c.4619T>G on transcript NM_020812.4 (MANE Select); coding-DNA position 4619, T replaced by G.
Protein change: p.Met1540Arg; replaces methionine 1540 with arginine.
Molecular consequence: missense variant.
Genome position (GRCh38, 1-based): chr19:11,212,024, A>C on the plus strand (T>G on the coding strand, the complement: DOCK6 is on the minus strand). VCF-style: chr19-11212024-A-C. GRCh37 (hg19) VCF-style: chr19-11322700-A-C.
Other names: c.4724T>G, p.Met1575Arg (NM_001367830.1); short protein forms M1575R, M1540R.
Identifiers: ClinVar variation 2046889 (VCV002046889.4), dbSNP rs755876584, ClinGen allele CA9206787.

ClinVar aggregate classification (germline): Uncertain significance (1 of 4 stars; one submission).

Allele frequency attached by ClinVar (database versions not stated): ExAC 0.00001; TOPMed 0.00001.

Submission:

Labcorp Genetics (formerly Invitae), Labcorp
Classification: Uncertain significance. Last evaluated: 2022-08-24. Review status: criteria provided, single submitter. Criteria: Invitae Variant Classification Sherloc (09022015). Collection method: clinical testing. Allele origin: germline.
Comment: In summary, the available evidence is currently insufficient to determine the role of this variant in disease. Therefore, it has been classified as a Variant of Uncertain Significance. Algorithms developed to predict the effect of missense changes on protein structure and function (SIFT, PolyPhen-2, Align-GVGD) all suggest that this variant is likely to be tolerated. This variant has not been reported in the literature in individuals affected with DOCK6-related conditions. This variant is not present in population databases (gnomAD no frequency). This sequence change replaces methionine, which is neutral and non-polar, with arginine, which is basic and polar, at codon 1540 of the DOCK6 protein (p.Met1540Arg).